The following is an entry in ClinVar:

NM_007294.4(BRCA1):c.1566_1567insC (p.Ala524fs)

Gene: BRCA1 (BRCA1 DNA repair associated; minus strand). Cytogenetic location: 17q21.31.
Variant type: Insertion.
Coding change: c.1566_1567insC on transcript NM_007294.4 (MANE Select); coding-DNA positions 1566 to 1567, C inserted.
Protein change: p.Ala524fs; shifts the reading frame from alanine 524.
Molecular consequence: frameshift variant. On other transcripts: intron variant (137).
Genome position: GRCh38 VCF-style: chr17-43093964-A-AG. GRCh37 (hg19) VCF-style: chr17-41245981-A-AG.
Other names: c.1563_1564insC, p.Ala523fs (NM_001407613.1, NM_001407614.1, NM_001407615.1 and 22 more transcripts); c.1566_1567insC, p.Ala524fs (NM_001407616.1, NM_001407617.1, NM_001407618.1 and 30 more transcripts); c.1488_1489insC, p.Ala498fs (NM_001407653.1, NM_001407654.1, NM_001407655.1 and 4 more transcripts); c.1485_1486insC, p.Ala497fs (NM_001407659.1, NM_001407660.1, NM_001407661.1 and 1 more transcripts); c.1440_1441insC, p.Ala482fs (NM_001407670.1, NM_001407671.1, NM_001407672.1 and 11 more transcripts); c.1443_1444insC, p.Ala483fs (NM_001407674.1, NM_001407675.1, NM_001407676.1 and 19 more transcripts); c.1425_1426insC, p.Ala477fs (NM_001407692.1, NM_001407694.1, NM_001407695.1 and 29 more transcripts); c.1422_1423insC, p.Ala476fs (NM_001407740.1, NM_001407741.1, NM_001407838.1 and 20 more transcripts); and 40 more; short protein forms A477fs, A524fs, A356fs, A396fs, A454fs, A483fs, A497fs, A412fs.
Identifiers: ClinVar variation 548306 (VCV000548306.2), dbSNP rs1555591551, ClinGen allele CA658824518.

ClinVar aggregate classification (germline): Pathogenic (3 of 4 stars; one submission).

Conditions:
Breast-ovarian cancer, familial, susceptibility to, 1 (BROVCA1). Also called: BRCA1 Hereditary Breast and Ovarian Cancer; OVARIAN CANCER, SUSCEPTIBILITY TO. Identifiers: Orphanet 145, MedGen C2676676, MONDO:0011450, OMIM 604370. Disease mechanism: loss of function.

Submission:

Evidence-based Network for the Interpretation of Germline Mutant Alleles (ENIGMA)
Classification: Pathogenic for Breast-ovarian cancer, familial, susceptibility to, 1. Last evaluated: 2017-12-15. Review status: reviewed by expert panel. Criteria: ENIGMA BRCA1/2 Classification Criteria (2017-06-29). Collection method: curation. Allele origin: germline. Study: ENIGMA.
Comment: Variant allele predicted to encode a truncated non-functional protein.